The following is an entry in ClinVar:

NM_022893.4(BCL11A):c.900G>A (p.Val300=)

Gene: BCL11A (BCL11 transcription factor A; minus strand). Cytogenetic location: 2p16.1.
Variant type: single nucleotide variant.
Coding change: c.900G>A on transcript NM_022893.4 (MANE Select); coding-DNA position 900, G replaced by A.
Protein change: p.Val300=; no amino-acid change (valine 300 retained).
Molecular consequence: synonymous variant. On other transcripts: intron variant (1).
Genome position (GRCh38, 1-based): chr2:60,462,012, C>T on the plus strand (G>A on the coding strand, the complement: BCL11A is on the minus strand). VCF-style: chr2-60462012-C-T. GRCh37 (hg19) VCF-style: chr2-60689147-C-T.
Other names: c.798G>A, p.Val266= (NM_001363864.1, NM_001365609.1); c.900G>A, p.Val300= (NM_018014.4); c.630+270G>A (NM_138559.2).
Identifiers: ClinVar variation 722038 (VCV000722038.13), dbSNP rs116590886, ClinGen allele CA1671187.

ClinVar aggregate classification (germline): Benign/Likely benign. Review status: criteria provided, multiple submitters, no conflicts (2 of 4 stars). 2 submissions from 2 submitters: Benign (1); Likely benign (1). Last evaluated 2025-05-01.

Allele frequency attached by ClinVar (database versions not stated): gnomAD exomes 0.00006 and 0.00027; gnomAD 0.00007 and 0.00009; 1000 Genomes Project 30x 0.00016; TOPMed 0.00018; 1000 Genomes Project 0.00020; ExAC 0.00030.
gnomAD v4.1: 116 of 1,612,882 alleles (0.0072%); highest among the groups gnomAD compares: East Asian, 0.19%; no homozygotes.

Submissions (2):

CeGaT Center for Human Genetics Tuebingen
Classification: Likely benign. Last evaluated: 2025-05-01. Review status: criteria provided, single submitter. Criteria: CeGaT Center For Human Genetics Tuebingen Variant Classification Criteria Version 2. Collection method: clinical testing. Allele origin: germline. Affected: yes. Observed: 1 variant allele.
Comment: BCL11A: BP4, BS1

Labcorp Genetics (formerly Invitae), Labcorp
Classification: Benign. Last evaluated: 2018-01-23. Review status: criteria provided, single submitter. Criteria: Invitae Variant Classification Sherloc (09022015). Collection method: clinical testing. Allele origin: germline.